The following is an entry in ClinVar:

ClinVar aggregate classification (germline): Pathogenic/Likely pathogenic. Review status: criteria provided, multiple submitters, no conflicts (2 of 4 stars). 3 submissions from 3 submitters: Pathogenic (1); Likely pathogenic (2). Last evaluated 2025-10-05.

Conditions:
Salla disease (SD). Also called: Sialuria, Finnish type; N-acetylneuraminic acid (NANA) storage disease (NSD); Infantile sialic acid storage disorder (ISSD); Less Severe FSASD (Salla Disease). Identifiers: Orphanet 309334, Orphanet 834, MedGen C1096903, MONDO:0011449, OMIM 604369.
Sialic acid storage disease, severe infantile type (ISSD). Also called: INFANTILE SIALIC ACID STORAGE DISORDER; N-ACETYLNEURAMINIC ACID STORAGE DISEASE; NANA STORAGE DISEASE; SIALURIA, INFANTILE FORM; Infantile Sialic Acid Storage Disease; Free sialic acid storage disease, infantile form. Identifiers: Orphanet 309324, Orphanet 834, MedGen C1096902, MONDO:0010027, OMIM 269920.

Submissions (3):

Labcorp Genetics (formerly Invitae), Labcorp
Classification: Likely pathogenic for Salla disease. Last evaluated: 2025-10-05. Review status: criteria provided, single submitter. Criteria: Invitae Variant Classification Sherloc (09022015). Collection method: clinical testing. Allele origin: germline.
Comment: This sequence change affects an acceptor splice site in intron 7 of the SLC17A5 gene. It is expected to disrupt RNA splicing. Variants that disrupt the donor or acceptor splice site typically lead to a loss of protein function (PMID: 16199547), and loss-of-function variants in SLC17A5 are known to be pathogenic (PMID: 10581036, 10947946, 15172001). This variant is not present in population databases (gnomAD no frequency). This variant has not been reported in the literature in individuals affected with SLC17A5-related conditions. ClinVar contains an entry for this variant (Variation ID: 2678776). Algorithms developed to predict the effect of sequence changes on RNA splicing suggest that this variant may disrupt the consensus splice site. In summary, the currently available evidence indicates that the variant is pathogenic, but additional data are needed to prove that conclusively. Therefore, this variant has been classified as Likely Pathogenic.

Fulgent Genetics
Classification: Likely pathogenic for Sialic acid storage disease, severe infantile type; Salla disease. Last evaluated: 2024-04-22. Review status: criteria provided, single submitter. Criteria: ACMG Guidelines, 2015. Collection method: clinical testing. Allele origin: germline.

Baylor Genetics
Classification: Pathogenic for Salla disease. Last evaluated: 2023-06-09. Review status: criteria provided, single submitter. Criteria: ACMG Guidelines, 2015. Collection method: clinical testing. Allele origin: unknown.

Literature cited by the submitters: PubMed 16199547 (cited by Labcorp Genetics (formerly Invitae), Labcorp); PubMed 10581036 (cited by Labcorp Genetics (formerly Invitae), Labcorp); PubMed 10947946 (cited by Labcorp Genetics (formerly Invitae), Labcorp); PubMed 15172001 (cited by Labcorp Genetics (formerly Invitae), Labcorp).

NM_012434.5(SLC17A5):c.979-1G>T

Gene: SLC17A5 (solute carrier family 17 member 5; minus strand). Cytogenetic location: 6q13.
Variant type: single nucleotide variant.
Coding change: c.979-1G>T on transcript NM_012434.5 (MANE Select); the canonical splice acceptor site of the intron before coding-DNA position 979, G replaced by T.
Molecular consequence: splice acceptor variant.
Genome position (GRCh38, 1-based): chr6:73,615,448, C>A on the plus strand (G>T on the coding strand, the complement: SLC17A5 is on the minus strand). VCF-style: chr6-73615448-C-A. GRCh37 (hg19) VCF-style: chr6-74325171-C-A.
Other names: c.661-1G>T (NM_001382636.1); c.748-1G>T (NM_001382629.1); c.892-1G>T (NM_001382632.1); c.976-1G>T (NM_001382635.1); c.820-1G>T (NM_001382634.1); c.979-1G>T (NM_001382630.1, NM_001382633.1); c.1000-1G>T (NM_001382631.1).
Identifiers: ClinVar variation 2678776 (VCV002678776.3), dbSNP rs2533429751, ClinGen allele CA364712440.
Genomic context (GRCh38, chr6:73,615,448, plus strand): 5'-ACCAGACAGGATCATACATAACCAAGAGCCTAAATAAGGCAATGAAGATAAAAACCCATT[C>A]TGGAAGGAATAAGAAGATACAGGATTAATTACGGTGAGAGAAAAAAACAAAACATACACA-3'